The following is an entry in ClinVar:

ClinVar aggregate classification (germline): Uncertain significance. Review status: criteria provided, multiple submitters, no conflicts (2 of 4 stars). 4 submissions from 4 submitters: Uncertain significance (4). Last evaluated 2026-06-12.

Conditions:
3M syndrome 1. Also called: 3-M Syndrome, CUL7-Related. Identifiers: Orphanet 2616, MedGen C2678312, MONDO:0010117, OMIM 273750.

Allele frequency attached by ClinVar (database versions not stated): gnomAD 0.00016; 1000 Genomes Project 0.00020; 1000 Genomes Project 30x 0.00031; TOPMed 0.00037; ESP Exome Variant Server 0.00069.

Submissions (4):

Women's Health and Genetics/Laboratory Corporation of America, LabCorp
Classification: Uncertain significance. Last evaluated: 2026-06-12. Review status: criteria provided, single submitter. Criteria: LabCorp Variant Classification Summary - May 2015. Collection method: clinical testing. Allele origin: germline.
Comment: Variant summary: CUL7 c.2693C>G (p.Ser898Trp) results in a non-conservative amino acid change located in the APC10/DOC domain (IPR004939) of the encoded protein sequence. Algorithms developed to predict the effect of missense changes on protein structure and function all suggest that this variant is likely to be disruptive. The variant allele was found at a frequency of 0.00026 in 251368 control chromosomes. This frequency is not significantly higher than estimated for disease-causing variants in CUL7, allowing no conclusion about variant significance. To our knowledge, no occurrence of c.2693C>G in individuals affected with CUL7-related conditions and no experimental evidence demonstrating its impact on protein function have been reported. ClinVar contains an entry for this variant (Variation ID: 356837). Based on the evidence outlined above, the variant was classified as uncertain significance.

Blueprint Genetics
Classification: Uncertain significance. Last evaluated: 2024-09-13. Review status: criteria provided, single submitter. Criteria: ACMG Guidelines, 2015. Collection method: clinical testing. Allele origin: germline.

Labcorp Genetics (formerly Invitae), Labcorp
Classification: Uncertain significance. Last evaluated: 2022-08-23. Review status: criteria provided, single submitter. Criteria: Invitae Variant Classification Sherloc (09022015). Collection method: clinical testing. Allele origin: germline.
Comment: This sequence change replaces serine, which is neutral and polar, with tryptophan, which is neutral and slightly polar, at codon 898 of the CUL7 protein (p.Ser898Trp). This variant is present in population databases (rs141829168, gnomAD 0.2%). This variant has not been reported in the literature in individuals affected with CUL7-related conditions. ClinVar contains an entry for this variant (Variation ID: 356837). Algorithms developed to predict the effect of missense changes on protein structure and function are either unavailable or do not agree on the potential impact of this missense change (SIFT: "Deleterious"; PolyPhen-2: "Probably Damaging"; Align-GVGD: "Class C0"). In summary, the available evidence is currently insufficient to determine the role of this variant in disease. Therefore, it has been classified as a Variant of Uncertain Significance.

Illumina Laboratory Services, Illumina
Classification: Uncertain significance for 3M syndrome 1. Last evaluated: 2018-01-13. Review status: criteria provided, single submitter. Criteria: ICSL Variant Classification Criteria 13 December 2019. Collection method: clinical testing. Allele origin: germline.

NM_014780.5(CUL7):c.2693C>G (p.Ser898Trp)

Gene: CUL7 (cullin 7; minus strand). Cytogenetic location: 6p21.1.
Variant type: single nucleotide variant.
Coding change: c.2693C>G on transcript NM_014780.5 (MANE Select); coding-DNA position 2693, C replaced by G.
Protein change: p.Ser898Trp; replaces serine 898 with tryptophan.
Molecular consequence: missense variant.
Genome position (GRCh38, 1-based): chr6:43,046,059, G>C on the plus strand (C>G on the coding strand, the complement: CUL7 is on the minus strand). VCF-style: chr6-43046059-G-C. GRCh37 (hg19) VCF-style: chr6-43013797-G-C.
Other names: c.2789C>G, p.Ser930Trp (NM_001168370.2, NM_001374872.1); c.2693C>G, p.Ser898Trp (NM_001374873.1, NM_001374874.1); short protein forms S898W, S930W.
Identifiers: ClinVar variation 356837 (VCV000356837.12), dbSNP rs141829168, ClinGen allele CA3813744.